The following is an entry in ClinVar:

ClinVar aggregate classification (germline): Uncertain significance (1 of 4 stars; one submission).

Submission:

Labcorp Genetics (formerly Invitae), Labcorp
Classification: Uncertain significance. Last evaluated: 2021-02-26. Review status: criteria provided, single submitter. Criteria: Invitae Variant Classification Sherloc (09022015). Collection method: clinical testing. Allele origin: germline.
Comment: This sequence change replaces arginine with threonine at codon 588 of the EXTL3 protein (p.Arg588Thr). The arginine residue is weakly conserved and there is a moderate physicochemical difference between arginine and threonine. This variant is not present in population databases (ExAC no frequency). This variant has not been reported in the literature in individuals with EXTL3-related conditions. Algorithms developed to predict the effect of missense changes on protein structure and function (SIFT, PolyPhen-2, Align-GVGD) all suggest that this variant is likely to be tolerated, but these predictions have not been confirmed by published functional studies and their clinical significance is uncertain. In summary, the available evidence is currently insufficient to determine the role of this variant in disease. Therefore, it has been classified as a Variant of Uncertain Significance.

NM_001440.4(EXTL3):c.1763G>C (p.Arg588Thr)

Gene: EXTL3 (exostosin like glycosyltransferase 3; plus strand). Cytogenetic location: 8p21.1.
Variant type: single nucleotide variant.
Coding change: c.1763G>C on transcript NM_001440.4 (MANE Select); coding-DNA position 1763, G replaced by C.
Protein change: p.Arg588Thr; replaces arginine 588 with threonine.
Molecular consequence: missense variant.
Genome position (GRCh38, 1-based): chr8:28,717,822, G>C. VCF-style: chr8-28717822-G-C. GRCh37 (hg19) VCF-style: chr8-28575339-G-C.
Other names: short protein forms R588T.
Identifiers: ClinVar variation 1412116 (VCV001412116.7), dbSNP rs2130741557, ClinGen allele CA370860750.